The following is an entry in ClinVar:

NM_000901.5(NR3C2):c.*1121T>C

Gene: NR3C2 (nuclear receptor subfamily 3 group C member 2; minus strand). Cytogenetic location: 4q31.23.
Variant type: single nucleotide variant.
Coding change: c.*1121T>C on transcript NM_000901.5 (MANE Select); 1121 bases downstream of the stop codon, T replaced by C.
Molecular consequence: 3 prime UTR variant. On other transcripts: non-coding transcript variant (1).
Genome position (GRCh38, 1-based): chr4:148,080,223, A>G on the plus strand (T>C on the coding strand, the complement: NR3C2 is on the minus strand). VCF-style: chr4-148080223-A-G. GRCh37 (hg19) VCF-style: chr4-149001374-A-G.
Other names: c.*1121T>C (NM_001166104.2, NM_001354819.1).
Identifiers: ClinVar variation 347703 (VCV000347703.5), dbSNP rs114071155, ClinGen allele CA10618047.

ClinVar aggregate classification (germline): Benign (1 of 4 stars; one submission).

Conditions:
Autosomal dominant pseudohypoaldosteronism type 1. Also called: Pseudohypoaldosteronism, Type I, Autosomal Dominant; PHA I, AUTOSOMAL DOMINANT; Pseudohypoaldosteronism, Type I, Dominant. Identifiers: Orphanet 171871, Orphanet 756, MedGen C1449842, MONDO:0008329, OMIM 177735.

Allele frequency attached by ClinVar (database versions not stated): 1000 Genomes Project 0.00519; gnomAD 0.00581 and 0.00625; 1000 Genomes Project 30x 0.00609; TOPMed 0.00687.

Submission:

Illumina Laboratory Services, Illumina
Classification: Benign for Autosomal dominant pseudohypoaldosteronism type 1. Last evaluated: 2018-01-12. Review status: criteria provided, single submitter. Criteria: ICSL Variant Classification Criteria 13 December 2019. Collection method: clinical testing. Allele origin: germline.
Comment: This variant was observed in the ICSL laboratory as part of a predisposition screen in an ostensibly healthy population. It had not been previously curated by ICSL or reported in the Human Gene Mutation Database (HGMD: prior to June 1st, 2018), and was therefore a candidate for classification through an automated scoring system. Utilizing variant allele frequency, disease prevalence and penetrance estimates, and inheritance mode, an automated score was calculated to assess if this variant is too frequent to cause the disease. Based on the score and internal cut-off values, a variant classified as benign is not then subjected to further curation. The score for this variant resulted in a classification of benign for this disease.